The following is an entry in ClinVar:

NM_001142800.2(EYS):c.5836-2A>C

Gene: EYS (EGF-like photoreceptor maintenance factor; minus strand). Cytogenetic location: 6q12.
Variant type: single nucleotide variant.
Coding change: c.5836-2A>C on transcript NM_001142800.2 (MANE Select); the canonical splice acceptor site of the intron before coding-DNA position 5836, A replaced by C.
Molecular consequence: splice acceptor variant.
Genome position (GRCh38, 1-based): chr6:64,436,267, T>G on the plus strand (A>C on the coding strand, the complement: EYS is on the minus strand). VCF-style: chr6-64436267-T-G. GRCh37 (hg19) VCF-style: chr6-65146160-T-G.
Other names: c.5836-2A>C (NM_001292009.2).
Identifiers: ClinVar variation 3660528 (VCV003660528.2).

ClinVar aggregate classification (germline): Likely pathogenic (1 of 4 stars; one submission).

Submission:

Labcorp Genetics (formerly Invitae), Labcorp
Classification: Likely pathogenic. Last evaluated: 2024-09-16. Review status: criteria provided, single submitter. Criteria: Invitae Variant Classification Sherloc (09022015). Collection method: clinical testing. Allele origin: germline.
Comment: This sequence change affects an acceptor splice site in intron 27 of the EYS gene. It is expected to disrupt RNA splicing. Variants that disrupt the donor or acceptor splice site typically lead to a loss of protein function (PMID: 16199547), and loss-of-function variants in EYS are known to be pathogenic (PMID: 18836446, 20333770). This variant is not present in population databases (gnomAD no frequency). This variant has not been reported in the literature in individuals affected with EYS-related conditions. Algorithms developed to predict the effect of sequence changes on RNA splicing suggest that this variant may disrupt the consensus splice site. In summary, the currently available evidence indicates that the variant is pathogenic, but additional data are needed to prove that conclusively. Therefore, this variant has been classified as Likely Pathogenic.

Literature cited by the submitters: PubMed 16199547; PubMed 18836446; PubMed 20333770.